The following is an entry in ClinVar:

ClinVar aggregate classification (germline): Pathogenic (1 of 4 stars; one submission).

Conditions:
Autosomal recessive nonsyndromic hearing loss 77. Identifiers: Orphanet 90636, MedGen C2746083, MONDO:0013119, OMIM 613079.

Submission:

Myriad Genetics, Inc.
Classification: Pathogenic for Autosomal recessive nonsyndromic hearing loss 77. Last evaluated: 2026-04-14. Review status: criteria provided, single submitter. Criteria: Myriad Autosomal Dominant, Autosomal Recessive and X-Linked Classification Criteria (2023). Collection method: clinical testing. Allele origin: unknown.
Comment: NM_144612.6(LOXHD1):c.3599_3600delTT(F1200Wfs*5) is a frameshift variant classified as pathogenic in the context of nonsyndromic hearing loss, LOXHD1-related. F1200Wfs*5 has not been observed in cases with relevant disease. Relevant functional assessments of this variant are not available in the literature. F1200Wfs*5 has not been observed in referenced population frequency databases. In summary, NM_144612.6(LOXHD1):c.3599_3600delTT(F1200Wfs*5) is a frameshift variant in a gene where loss of function is a known mechanism of disease and is predicted to disrupt protein function. Please note: this variant was assessed in the context of healthy population screening.

NM_001384474.1(LOXHD1):c.3599_3600del (p.Phe1200fs)

Gene: LOXHD1 (lipoxygenase homology PLAT domains 1; minus strand). Cytogenetic location: 18q21.1.
Variant type: Deletion.
Coding change: c.3599_3600del on transcript NM_001384474.1 (MANE Select); coding-DNA positions 3599 to 3600, 2 bases deleted (TT; older notation c.3599_3600delTT).
Protein change: p.Phe1200fs; shifts the reading frame from phenylalanine 1200.
Molecular consequence: frameshift variant. On other transcripts: 5 prime UTR variant (1).
Genome position (GRCh38, 1-based): chr18:46,545,336-46,545,337, AA deleted on the plus strand (TT on the coding strand, the reverse complement: LOXHD1 is on the minus strand); deleting any 2 consecutive bases within chr18:46,545,336-46,545,338 gives the same sequence; the c. name uses the placement nearest the transcript's 3' end. VCF-style (leftmost placement, unchanged base first): chr18-46545335-CAA-C. GRCh37 (hg19) VCF-style: chr18-44125298-CAA-C.
Other names: c.266_267del, p.Phe89fs (NM_001145472.3); c.-23_-22del (NM_001308013.2); c.3599_3600del, p.Phe1200fs (NM_144612.7); short protein forms F1200fs, F89fs.
Identifiers: ClinVar variation 5003474 (VCV005003474.1).